The following is an entry in ClinVar:

NM_001330260.2(SCN8A):c.1215G>A (p.Leu405=)

Gene: SCN8A (sodium voltage-gated channel alpha subunit 8; plus strand). Cytogenetic location: 12q13.13.
Variant type: single nucleotide variant.
Coding change: c.1215G>A on transcript NM_001330260.2 (MANE Select); coding-DNA position 1215, G replaced by A.
Protein change: p.Leu405=; no amino-acid change (leucine 405 retained).
Molecular consequence: synonymous variant.
Genome position (GRCh38, 1-based): chr12:51,705,497, G>A. VCF-style: chr12-51705497-G-A. GRCh37 (hg19) VCF-style: chr12-52099281-G-A.
Other names: c.1215G>A, p.Leu405= (NM_001177984.3, NM_001369788.1, NM_014191.4).
Identifiers: ClinVar variation 413884 (VCV000413884.58), dbSNP rs751093826, ClinGen allele CA6571231.

ClinVar aggregate classification (germline): Benign/Likely benign. Review status: criteria provided, multiple submitters, no conflicts (2 of 4 stars). 6 submissions from 6 submitters: Benign (1); Likely benign (5). Last evaluated 2026-01-01.

Conditions:
Inborn genetic diseases. Identifiers: MedGen C0950123, MeSH D030342.
Early-infantile DEE. Also called: Early infantile epileptic encephalopathy with suppression bursts; Early infantile epileptic encephalopathy; Ohtahara syndrome. Identifiers: Orphanet 1934, MedGen C0393706, MONDO:0800491.

Allele frequency attached by ClinVar (database versions not stated): TOPMed 0.00008; gnomAD exomes 0.00011 and 0.00007; gnomAD 0.00004 and 0.00005; ExAC 0.00008.
gnomAD v4.1: 103 of 1,613,964 alleles (0.0064%); highest among the groups gnomAD compares: Middle Eastern, 0.033%; no homozygotes.

Submissions (6):

CeGaT Center for Human Genetics Tuebingen
Classification: Likely benign. Last evaluated: 2026-01-01. Review status: criteria provided, single submitter. Criteria: CeGaT Center For Human Genetics Tuebingen Variant Classification Criteria Version 2. Collection method: clinical testing. Allele origin: germline. Affected: yes. Observed: 3 variant alleles.
Comment: SCN8A: BP4, BP7

Labcorp Genetics (formerly Invitae), Labcorp
Classification: Likely benign for Early-infantile DEE. Last evaluated: 2025-10-10. Review status: criteria provided, single submitter. Criteria: Invitae Variant Classification Sherloc (09022015). Collection method: clinical testing. Allele origin: germline.

Blueprint Genetics
Classification: Likely benign. Last evaluated: 2024-10-31. Review status: criteria provided, single submitter. Criteria: ACMG Guidelines, 2015. Collection method: clinical testing. Allele origin: germline.

Ambry Genetics
Classification: Likely benign for Inborn genetic diseases. Last evaluated: 2016-12-08. Review status: criteria provided, single submitter. Criteria: Ambry Variant Classification Scheme 2023. Collection method: clinical testing. Allele origin: germline.

GeneDx
Classification: Benign. Last evaluated: 2015-05-08. Review status: criteria provided, single submitter. Criteria: GeneDx Variant Classification (06012015). Collection method: clinical testing. Allele origin: germline. Affected: yes.
Comment: This variant is considered likely benign or benign based on one or more of the following criteria: it is a conservative change, it occurs at a poorly conserved position in the protein, it is predicted to be benign by multiple in silico algorithms, and/or has population frequency not consistent with disease.

Breakthrough Genomics
Classification: Likely benign. Review status: criteria provided, single submitter. Criteria: ACMG Guidelines, 2015. Collection method: not provided. Allele origin: germline. Inheritance: Autosomal dominant inheritance. Affected: yes.